The following is an entry in ClinVar:

ClinVar aggregate classification (germline): Uncertain significance. Review status: criteria provided, multiple submitters, no conflicts (2 of 4 stars). 2 submissions from 2 submitters: Uncertain significance (2). Last evaluated 2021-08-02.

Conditions:
Hereditary cancer-predisposing syndrome. Also called: Neoplastic Syndromes, Hereditary; Hereditary Cancer Syndrome; Tumor predisposition; Hereditary neoplastic syndrome. Identifiers: Orphanet 140162, MedGen C0027672, MeSH D009386, MONDO:0015356.
Ataxia-telangiectasia syndrome (AT). Also called: LOUIS-BAR SYNDROME; Cerebello-oculocutaneous telangiectasia; Immunodeficiency with ataxia telangiectasia; Ataxia-telangiectasia, complementation group D; AT, COMPLEMENTATION GROUP C; Ataxia-telangiectasia, complementation group E. Identifiers: Orphanet 100, MedGen C0004135, MONDO:0008840, OMIM 208900.

Submissions (2):

Labcorp Genetics (formerly Invitae), Labcorp
Classification: Uncertain significance for Ataxia-telangiectasia syndrome. Last evaluated: 2021-08-02. Review status: criteria provided, single submitter. Criteria: Invitae Variant Classification Sherloc (09022015). Collection method: clinical testing. Allele origin: germline.
Comment: This sequence change replaces lysine with glutamine at codon 2816 of the ATM protein (p.Lys2816Gln). The lysine residue is highly conserved and there is a small physicochemical difference between lysine and glutamine. This variant is not present in population databases (ExAC no frequency). This variant has not been reported in the literature in individuals affected with ATM-related conditions. ClinVar contains an entry for this variant (Variation ID: 481223). Algorithms developed to predict the effect of missense changes on protein structure and function are either unavailable or do not agree on the potential impact of this missense change (SIFT: "Deleterious"; PolyPhen-2: "Probably Damaging"; Align-GVGD: "Class C0"). In summary, the available evidence is currently insufficient to determine the role of this variant in disease. Therefore, it has been classified as a Variant of Uncertain Significance.

Ambry Genetics
Classification: Uncertain significance for Hereditary cancer-predisposing syndrome. Last evaluated: 2016-03-01. Review status: criteria provided, single submitter. Criteria: Ambry Variant Classification Scheme 2023. Collection method: clinical testing. Allele origin: germline.
Comment: The p.K2816Q variant (also known as c.8446A>C), located in coding exon 57 of the ATM gene, results from an A to C substitution at nucleotide position 8446. The lysine at codon 2816 is replaced by glutamine, an amino acid with similar properties. This variant was not reported in population based cohorts in the following databases: Database of Single Nucleotide Polymorphisms (dbSNP), NHLBI Exome Sequencing Project (ESP), and 1000 Genomes Project. In the ESP, this variant was not observed in 6498 samples (12996 alleles) with coverage at this position. To date, this alteration has been detected with an allele frequency of approximately 0.001% (greater than 125000 alleles tested) in our clinical cohort. This amino acid position is highly conserved in available vertebrate species. In addition, the in silico prediction for this alteration is inconclusive. Since supporting evidence is limited at this time, the clinical significance of this alteration remains unclear.

NM_000051.4(ATM):c.8446A>C (p.Lys2816Gln)

Genes: ATM (ATM serine/threonine kinase; plus strand), C11orf65 (chromosome 11 open reading frame 65; minus strand). Cytogenetic location: 11q22.3.
Variant type: single nucleotide variant.
Coding change: c.8446A>C on transcript NM_000051.4 (MANE Select); coding-DNA position 8446, A replaced by C.
Protein change: p.Lys2816Gln; replaces lysine 2816 with glutamine.
Molecular consequence: missense variant. On other transcripts: intron variant (2).
Genome position (GRCh38, 1-based): chr11:108,345,770, A>C. VCF-style: chr11-108345770-A-C. GRCh37 (hg19) VCF-style: chr11-108216497-A-C.
Other names: c.8446A>C, p.Lys2816Gln (NM_001351834.2); c.641-36699T>G (NM_001330368.2); c.695-10478T>G (NM_001351110.2); short protein forms K2816Q.
Identifiers: ClinVar variation 481223 (VCV000481223.12), dbSNP rs1555138041, ClinGen allele CA382517857.